The following is an entry in ClinVar:

ClinVar aggregate classification (germline): Uncertain significance. Review status: criteria provided, multiple submitters, no conflicts (2 of 4 stars). 2 submissions from 2 submitters: Uncertain significance (2). Last evaluated 2024-08-12.

Conditions:
Inborn genetic diseases. Identifiers: MedGen C0950123, MeSH D030342.

Allele frequency attached by ClinVar (database versions not stated): ExAC 0.00004; gnomAD 0.00009; TOPMed 0.00012; gnomAD exomes 0.00011.
gnomAD v4.1: 165 of 1,613,968 alleles (0.01%); highest among the groups gnomAD compares: Middle Eastern, 0.033%; no homozygotes.

Submissions (2):

Ambry Genetics
Classification: Uncertain significance for Inborn genetic diseases. Last evaluated: 2024-08-12. Review status: criteria provided, single submitter. Criteria: Ambry Variant Classification Scheme 2023. Collection method: clinical testing. Allele origin: germline.

Labcorp Genetics (formerly Invitae), Labcorp
Classification: Uncertain significance. Last evaluated: 2022-08-07. Review status: criteria provided, single submitter. Criteria: Invitae Variant Classification Sherloc (09022015). Collection method: clinical testing. Allele origin: germline.
Comment: In summary, the available evidence is currently insufficient to determine the role of this variant in disease. Therefore, it has been classified as a Variant of Uncertain Significance. Algorithms developed to predict the effect of missense changes on protein structure and function output the following: SIFT: "Tolerated"; PolyPhen-2: "Benign"; Align-GVGD: "Class C0". The leucine amino acid residue is found in multiple mammalian species, which suggests that this missense change does not adversely affect protein function. This variant has not been reported in the literature in individuals affected with GRM7-related conditions. This variant is present in population databases (rs199524986, gnomAD 0.04%). This sequence change replaces phenylalanine, which is neutral and non-polar, with leucine, which is neutral and non-polar, at codon 555 of the GRM7 protein (p.Phe555Leu).

NM_000844.4(GRM7):c.1665T>G (p.Phe555Leu)

Gene: GRM7 (glutamate metabotropic receptor 7; plus strand). Cytogenetic location: 3p26.1.
Variant type: single nucleotide variant.
Coding change: c.1665T>G on transcript NM_000844.4 (MANE Select); coding-DNA position 1665, T replaced by G.
Protein change: p.Phe555Leu; replaces phenylalanine 555 with leucine.
Molecular consequence: missense variant.
Genome position (GRCh38, 1-based): chr3:7,578,571, T>G. VCF-style: chr3-7578571-T-G. GRCh37 (hg19) VCF-style: chr3-7620258-T-G.
Other names: c.1665T>G (NM_000844.3); c.1665T>G, p.Phe555Leu (NM_181874.3); short protein forms F555L.
Identifiers: ClinVar variation 2043539 (VCV002043539.6), dbSNP rs199524986, ClinGen allele CA2234969.
Genomic context (GRCh38, chr3:7,578,571, plus strand): 5'-ACAGAAAGGAACTCCTTGCTGTTGGACCTGTGAGCCTTGCGATGGTTACCAGTACCAGTT[T>G]GATGAGATGACATGCCAGCATTGCCCCTATGACCAGAGGCCCAATGAAAATCGAACCGGA-3'
Protein context (NP_000835.1, residues 545-565): CEPCDGYQYQ[Phe555Leu]DEMTCQHCPY